The following is an entry in ClinVar:

ClinVar aggregate classification (germline): Uncertain significance (1 of 4 stars; one submission).

Conditions:
GNAS-related disorder. Identifiers: MedGen CN380105.

gnomAD v4.1: 8 of 1,611,174 alleles (0.0005%); highest among the groups gnomAD compares: African/African-American, 0.0053%; no homozygotes.

Submission:

PreventionGenetics, part of Exact Sciences
Classification: Uncertain significance for GNAS-related condition. Last evaluated: 2025-11-09. Review status: criteria provided, single submitter. Criteria: ACMG Guidelines, 2015. Collection method: clinical testing. Allele origin: germline.
Comment: The GNAS c.796C>T variant is predicted to result in the amino acid substitution p.Leu266Phe. In the primary transcript listed in the Human Gene Mutation Database, this variant is pre-coding (NM_000516, c.-37666C>T). To our knowledge, this variant has not been reported in the literature. This variant is reported in 0.0075% of alleles in individuals of African descent in gnomAD. At this time, the clinical significance of this variant is uncertain due to the absence of conclusive functional and genetic evidence.

NM_080425.4(GNAS):c.796C>T (p.Leu266Phe)

Gene: GNAS (GNAS complex locus; plus strand). Cytogenetic location: 20q13.32.
Variant type: single nucleotide variant.
Coding change: c.796C>T on transcript NM_080425.4 (MANE Plus Clinical); coding-DNA position 796, C replaced by T.
Protein change: p.Leu266Phe; replaces leucine 266 with phenylalanine.
Molecular consequence: missense variant. On other transcripts: synonymous variant (2), intron variant (3).
Genome position (GRCh38, 1-based): chr20:58,854,061, C>T. VCF-style: chr20-58854061-C-T. GRCh37 (hg19) VCF-style: chr20-57429116-C-T.
Other names: c.609C>T, p.Ala203= (NM_001077490.3, NM_001309883.1); c.796C>T, p.Leu266Phe (NM_001410913.1); c.*42+13175C>T (NM_016592.5); c.43+13175C>T (NM_001410912.1); c.-39+12186C>T (NM_001309861.2); short protein forms L266F.
Identifiers: ClinVar variation 3355795 (VCV003355795.2).